The following is an entry in ClinVar:

NM_002528.7(NTHL1):c.871G>C (p.Ala291Pro)

Gene: NTHL1 (nth like DNA glycosylase 1; minus strand). Cytogenetic location: 16p13.3.
Variant type: single nucleotide variant.
Coding change: c.871G>C on transcript NM_002528.7 (MANE Select); coding-DNA position 871, G replaced by C.
Protein change: p.Ala291Pro; replaces alanine 291 with proline.
Molecular consequence: missense variant.
Genome position (GRCh38, 1-based): chr16:2,039,968, C>G on the plus strand (G>C on the coding strand, the complement: NTHL1 is on the minus strand). VCF-style: chr16-2039968-C-G. GRCh37 (hg19) VCF-style: chr16-2089969-C-G.
Other names: c.700G>C, p.Ala234Pro (NM_001318193.2); c.541G>C, p.Ala181Pro (NM_001318194.2); short protein forms A234P, A291P, A181P.
Identifiers: ClinVar variation 5025898 (VCV005025898.1).

ClinVar aggregate classification (germline): Uncertain significance (1 of 4 stars; one submission).

Conditions:
Hereditary cancer-predisposing syndrome. Also called: Neoplastic Syndromes, Hereditary; Tumor predisposition; Hereditary neoplastic syndrome; Hereditary Cancer Syndrome. Identifiers: Orphanet 140162, MedGen C0027672, MeSH D009386, MONDO:0015356.

Submission:

Ambry Genetics
Classification: Uncertain significance for Hereditary cancer-predisposing syndrome. Last evaluated: 2026-07-07. Review status: criteria provided, single submitter. Criteria: Ambry Variant Classification Scheme 2023. Collection method: clinical testing. Allele origin: germline.
Comment: The p.A299P variant (also known as c.895G>C), located in coding exon 6 of the NTHL1 gene, results from a G to C substitution at nucleotide position 895. The alanine at codon 299 is replaced by proline, an amino acid with highly similar properties. This amino acid position is conserved. In addition, the in silico prediction for this alteration is inconclusive. Based on the available evidence, the clinical significance of this variant remains unclear.